The following is an entry in ClinVar:

NM_000836.4(GRIN2D):c.3199G>C (p.Glu1067Gln)

Gene: GRIN2D (glutamate ionotropic receptor NMDA type subunit 2D; plus strand). Cytogenetic location: 19q13.33.
Variant type: single nucleotide variant.
Coding change: c.3199G>C on transcript NM_000836.4 (MANE Select); coding-DNA position 3199, G replaced by C.
Protein change: p.Glu1067Gln; replaces glutamic acid 1067 with glutamine.
Molecular consequence: missense variant.
Genome position (GRCh38, 1-based): chr19:48,443,125, G>C. VCF-style: chr19-48443125-G-C. GRCh37 (hg19) VCF-style: chr19-48946382-G-C.
Other names: short protein forms E1067Q.
Identifiers: ClinVar variation 2979503 (VCV002979503.3), dbSNP rs1971325487, ClinGen allele CA406675087.
Genomic context (GRCh38, chr19:48,443,125, plus strand): 5'-CGCTTGGCCTTCGAGGACGAGAGCCCGCCGGCGCCCGCGCGGTGGCCGCGCTCGGACCCC[G>C]AGAGCCAACCCCTGCTGGGGCCAGGCGCGGGCGGCGCGGGGGGCACGGGGGGCGCAGGCG-3'
Protein context (NP_000827.2, residues 1057-1077): APARWPRSDP[Glu1067Gln]SQPLLGPGAG

ClinVar aggregate classification (germline): Uncertain significance (1 of 4 stars; one submission).

Submission:

Labcorp Genetics (formerly Invitae), Labcorp
Classification: Uncertain significance. Last evaluated: 2023-03-17. Review status: criteria provided, single submitter. Criteria: Invitae Variant Classification Sherloc (09022015). Collection method: clinical testing. Allele origin: germline.
Comment: Advanced modeling of protein sequence and biophysical properties (such as structural, functional, and spatial information, amino acid conservation, physicochemical variation, residue mobility, and thermodynamic stability) performed at Invitae indicates that this missense variant is not expected to disrupt GRIN2D protein function. In summary, the available evidence is currently insufficient to determine the role of this variant in disease. Therefore, it has been classified as a Variant of Uncertain Significance. This variant has not been reported in the literature in individuals affected with GRIN2D-related conditions. The frequency data for this variant in the population databases is considered unreliable, as metrics indicate insufficient coverage at this position in the gnomAD database. This sequence change replaces glutamic acid, which is acidic and polar, with glutamine, which is neutral and polar, at codon 1067 of the GRIN2D protein (p.Glu1067Gln).